The following is an entry in ClinVar:

NM_007294.4(BRCA1):c.5407-10G>C

Gene: BRCA1 (BRCA1 DNA repair associated; minus strand). Cytogenetic location: 17q21.31.
Variant type: single nucleotide variant.
Coding change: c.5407-10G>C on transcript NM_007294.4 (MANE Select); 10 bases into the intron before coding-DNA position 5407, G replaced by C.
Molecular consequence: intron variant.
Genome position (GRCh38, 1-based): chr17:43,047,713, C>G on the plus strand (G>C on the coding strand, the complement: BRCA1 is on the minus strand). VCF-style: chr17-43047713-C-G. GRCh37 (hg19) VCF-style: chr17-41199730-C-G.
Other names: c.1972-10G>C (NM_001408438.1, NM_001408432.1, NM_001408443.1 and 10 more transcripts); c.1975-10G>C (NM_001408430.1, NM_001408427.1, NM_001408431.1 and 4 more transcripts); c.5278-10G>C (NM_001407682.1, NM_001407689.1, NM_001407681.1 and 6 more transcripts); c.5281-10G>C (NM_001407676.1, NM_001407679.1, NM_001407670.1 and 8 more transcripts); c.5203-10G>C (NM_001407863.1); c.5210-10G>C (NM_001407938.1, NM_001407937.1); c.5284-10G>C (NM_001407667.1, NM_001407668.1, NM_001407664.1 and 3 more transcripts); c.1978-10G>C (NM_001408423.1, NM_001408421.1, NM_001408424.1 and 1 more transcripts); and 83 more.
Identifiers: ClinVar variation 868450 (VCV000868450.6), dbSNP rs273901767, ClinGen allele CA916080791.

ClinVar aggregate classification (germline): Likely benign (1 of 4 stars; one submission).

Conditions:
Hereditary breast ovarian cancer syndrome. Also called: Hereditary breast and ovarian cancer; Hereditary breast and ovarian cancer syndrome (HBOC); Breast and ovarian cancer; Hereditary breast and/or ovarian cancer syndrome; BRCA1- and BRCA2-Associated Hereditary Breast and Ovarian Cancer; Hereditary breast and ovarian cancer syndrome. Identifiers: Orphanet 145, MedGen C0677776, MeSH D061325, MONDO:0003582. Disease mechanism: loss of function.

Submissions (2):

Labcorp Genetics (formerly Invitae), Labcorp
Classification: Likely benign for Hereditary breast ovarian cancer syndrome. Last evaluated: 2023-05-08. Review status: criteria provided, single submitter. Criteria: Invitae Variant Classification Sherloc (09022015). Collection method: clinical testing. Allele origin: germline.

Brotman Baty Institute, University of Washington
No classification provided (evidence only). Condition: Breast-ovarian cancer, familial 1. Review status: no classification provided. Collection method: in vitro. Allele origin: not applicable. Functional consequence: functionally_normal. Not counted in ClinVar's aggregate classification.
ClinVar note: "not provided" was previously submitted as the classification for the variant. However, the classification appeared to be based only on an observation of functional data so it was converted to no classification on 2025-07-30.